The following is an entry in ClinVar:

ClinVar aggregate classification (germline): Likely pathogenic (1 of 4 stars; one submission).

Conditions:
Dilated cardiomyopathy 1J (CMD1J). Also called: CARDIOMYOPATHY, DILATED, WITH SENSORINEURAL HEARING LOSS, AUTOSOMAL DOMINANT. Identifiers: Orphanet 217622, MedGen C1854368, MONDO:0011541, OMIM 605362.

Submission:

Labcorp Genetics (formerly Invitae), Labcorp
Classification: Likely pathogenic for Dilated cardiomyopathy 1J. Last evaluated: 2022-03-18. Review status: criteria provided, single submitter. Criteria: Invitae Variant Classification Sherloc (09022015). Collection method: clinical testing. Allele origin: germline.
Comment: This sequence change affects an acceptor splice site in intron 4 of the EYA4 gene. It is expected to disrupt RNA splicing. Variants that disrupt the donor or acceptor splice site typically lead to a loss of protein function (PMID: 16199547), and loss-of-function variants in EYA4 are known to be pathogenic (PMID: 11159937, 25781927, 25963406). This variant is not present in population databases (gnomAD no frequency). This variant has not been reported in the literature in individuals affected with EYA4-related conditions. ClinVar contains an entry for this variant (Variation ID: 1066753). Algorithms developed to predict the effect of sequence changes on RNA splicing suggest that this variant may disrupt the consensus splice site. In summary, the currently available evidence indicates that the variant is pathogenic, but additional data are needed to prove that conclusively. Therefore, this variant has been classified as Likely Pathogenic.

Literature cited by the submitters: PubMed 16199547; PubMed 11159937; PubMed 25781927; PubMed 25963406.

NM_004100.5(EYA4):c.209-1G>A

Gene: EYA4 (EYA transcriptional coactivator and phosphatase 4; plus strand). Cytogenetic location: 6q23.2.
Variant type: single nucleotide variant.
Coding change: c.209-1G>A on transcript NM_004100.5 (MANE Select); the canonical splice acceptor site of the intron before coding-DNA position 209, G replaced by A.
Molecular consequence: splice acceptor variant. On other transcripts: intron variant (4).
Genome position (GRCh38, 1-based): chr6:133,448,110, G>A. VCF-style: chr6-133448110-G-A. GRCh37 (hg19) VCF-style: chr6-133769248-G-A.
Other names: c.209-1G>A (NM_001301013.2, NM_172105.4); c.208+1356G>A (NM_001370458.1, NM_172103.4, NM_001370459.1 and 1 more transcripts).
Identifiers: ClinVar variation 1066753 (VCV001066753.9), dbSNP rs1441151762, ClinGen allele CA365838175.